The following is an entry in ClinVar:

ClinVar aggregate classification (germline): Likely benign (1 of 4 stars; one submission).

Submission:

GeneDx
Classification: Likely benign. Last evaluated: 2015-08-22. Review status: criteria provided, single submitter. Criteria: GeneDx Variant Classification (06012015). Collection method: clinical testing. Allele origin: germline. Affected: yes.
Comment: This variant is considered likely benign or benign based on one or more of the following criteria: it is a conservative change, it occurs at a poorly conserved position in the protein, it is predicted to be benign by multiple in silico algorithms, and/or has population frequency not consistent with disease.

NM_015443.4(KANSL1):c.1348A>C (p.Asn450His)

Gene: KANSL1 (KAT8 regulatory NSL complex subunit 1). Cytogenetic location: 17q21.31.
Variant type: single nucleotide variant.
Coding change: c.1348A>C on transcript NM_015443.4 (MANE Select); coding-DNA position 1348, A replaced by C.
Protein change: p.Asn450His; replaces asparagine 450 with histidine.
Molecular consequence: missense variant.
Genome position (GRCh38, 1-based): chr17:46,094,643, T>G on the plus strand (A>C on the coding strand, the complement: KANSL1 is on the minus strand). VCF-style: chr17-46094643-T-G. GRCh37 (hg19) VCF-style: chr17-44172009-T-G.
Other names: c.1348A>C, p.Asn450His (NM_001193465.2, NM_001193466.2, NM_001379198.1); short protein forms N450H.
Identifiers: ClinVar variation 380398 (VCV000380398.1), dbSNP rs1057520848, ClinGen allele CA16607310.
Genomic context (GRCh38, chr17:46,094,643, plus strand): 5'-AAATGTCTGTTTGCTGACGAATTCGATATTCCAAGTCAGAAACATGAGCCTGAAGCCAGT[T>G]CCAGCGGCTGACAATAGCTGCCCGGTCTGCAGCCCATTTCCATTCTGACCTGCGTCTCCT-3'
Protein context (NP_056258.1, residues 440-460): ADRAAIVSRW[Asn450His]WLQAHVSDLE